The following is an entry in ClinVar:

ClinVar aggregate classification (germline): Likely pathogenic. Review status: criteria provided, multiple submitters, no conflicts (2 of 4 stars). 3 submissions from 3 submitters: Likely pathogenic (2). 1 of the submissions does not count toward it. Last evaluated 2024-10-09.

Conditions:
Intellectual disability. Also called: Intellectual functioning disability; intellectual disabilities; Intellectual developmental disorder. Identifiers: MedGen C3714756, MeSH D008607, MONDO:0001071, HP:0001249.
Snijders Blok-Campeau syndrome. Also called: INTELLECTUAL DEVELOPMENTAL DISORDER WITH MACROCEPHALY, SPEECH DELAY, AND DYSMORPHIC FACIES. Identifiers: Orphanet 599082, MedGen C4748701, MONDO:0032600, OMIM 618205.

Submissions (3):

Victorian Clinical Genetics Services, Murdoch Childrens Research Institute
Classification: Likely pathogenic for Snijders Blok-Campeau syndrome. Last evaluated: 2024-10-09. Review status: criteria provided, single submitter. Criteria: ACMG Guidelines, 2015. Collection method: clinical testing. Allele origin: germline. Inheritance: Autosomal dominant inheritance. Affected: yes.
Comment: Based on the classification scheme VCGS_Germline_v1.3.4, this variant is classified as Likely pathogenic. Following criteria are met: 0103 - Loss of function and gain of function are known mechanisms of disease in this gene and are associated with Snijders Blok-Campeau syndrome (MIM#618205), however no clear genotype-phenotype correlations have been identified to determine how both overactivity and underactivity of CHD3 can result in the same phenotype (PMID: 32483341). (I) 0107 - This gene is associated with autosomal dominant disease. (I) 0115 - Variants in this gene are known to have variable expressivity. Variable expressivity has been reported including inheritance from mildly affected parents (PMID: 35346573). (I) 0200 - Variant is predicted to result in a missense amino acid change from histidine to arginine. (I) 0251 - This variant is heterozygous. (I) 0301 - Variant is absent from gnomAD (both v2 and v3). (SP) 0502 - Missense variant with conflicting in silico predictions and high conservation. (I) 0603 - Missense variant in a region that is highly intolerant to missense variation (high constraint region in DECIPHER). (SP) 0705 - No comparable missense variants have previous evidence for pathogenicity. (I) 0802 - This variant has moderate previous evidence of pathogenicity in an unrelated individual. This variant has been reported de novo in an individual with Snijders Blok-Campeau syndrome (PMID: 30397230). (SP) 0905 - No published segregation evidence has been identified for this variant. (I) 1007 - No published functional evidence has been identified for this variant. (SP) Legend: (SP) - Supporting pathogenic, (I) - Information, (SB) - Supporting benign

SIB Swiss Institute of Bioinformatics
Classification: Likely pathogenic for Snijders Blok-Campeau syndrome. Last evaluated: 2019-02-19. Review status: criteria provided, single submitter. Criteria: ACMG Guidelines, 2015. Collection method: curation. Allele origin: unknown.
Comment: This variant is interpreted as a Likely pathogenic for Snijders Blok-Campeau syndrome, autosomal dominant. The following ACMG Tag(s) were applied: PM2 : Absent from controls (or at extremely low frequency if recessive) in Exome Sequencing Project, 1000 Genomes Project, or Exome Aggregation Consortium. PM6 : Assumed de novo, but without confirmation of paternity and maternity (PMID:30397230). PM1-supporting : PM1 downgraded in strength to Supporting. PP2 : Missense variant in a gene that has a low rate of benign missense variation and in which missense variants are a common mechanism of disease. PP3 : Multiple lines of computational evidence support a deleterious effect on the gene or gene product.

CHU Sainte-Justine Research Center, University of Montreal
Classification: Likely pathogenic for Intellectual disability. Last evaluated: 2018-05-03. Review status: no assertion criteria provided. Collection method: research. Allele origin: germline. Affected: yes. Not counted in ClinVar's aggregate classification.

Literature cited by the submitters: PubMed 30397230 (cited by Victorian Clinical Genetics Services, Murdoch Childrens Research Institute and SIB Swiss Institute of Bioinformatics); PubMed 32483341 (cited by Victorian Clinical Genetics Services, Murdoch Childrens Research Institute); PubMed 35346573 (cited by Victorian Clinical Genetics Services, Murdoch Childrens Research Institute).

NM_001005273.3(CHD3):c.3512A>G (p.His1171Arg)

Gene: CHD3 (chromodomain helicase DNA binding protein 3; plus strand). Cytogenetic location: 17p13.1.
Variant type: single nucleotide variant.
Coding change: c.3512A>G on transcript NM_001005273.3 (MANE Select); coding-DNA position 3512, A replaced by G.
Protein change: p.His1171Arg; replaces histidine 1171 with arginine.
Molecular consequence: missense variant.
Genome position (GRCh38, 1-based): chr17:7,903,288, A>G. VCF-style: chr17-7903288-A-G. GRCh37 (hg19) VCF-style: chr17-7806606-A-G.
Other names: c.3689A>G, p.His1230Arg (NM_001005271.3); c.3512A>G, p.His1171Arg (NM_005852.4); short protein forms H1171R, H1230R.
Identifiers: ClinVar variation 549742 (VCV000549742.3), dbSNP rs1567861489, ClinGen allele CA397942064.